The following is an entry in ClinVar:

NM_001354483.2(CSGALNACT1):c.817G>T (p.Val273Leu)

Gene: CSGALNACT1 (chondroitin sulfate N-acetylgalactosaminyltransferase 1; minus strand). Cytogenetic location: 8p21.3.
Variant type: single nucleotide variant.
Coding change: c.817G>T on transcript NM_001354483.2 (MANE Select); coding-DNA position 817, G replaced by T.
Protein change: p.Val273Leu; replaces valine 273 with leucine.
Molecular consequence: missense variant. On other transcripts: non-coding transcript variant (7).
Genome position (GRCh38, 1-based): chr8:19,458,460, C>A on the plus strand (G>T on the coding strand, the complement: CSGALNACT1 is on the minus strand). VCF-style: chr8-19458460-C-A. GRCh37 (hg19) VCF-style: chr8-19315971-C-A.
Other names: c.817G>T, p.Val273Leu (NM_001354489.2, NM_001354490.2, NM_001354491.2 and 18 more transcripts); c.817G>T (NM_001130518.1); short protein forms V273L.
Identifiers: ClinVar variation 2071699 (VCV002071699.3), dbSNP rs370202517, ClinGen allele CA4654107.

ClinVar aggregate classification (germline): Uncertain significance. Review status: criteria provided, multiple submitters, no conflicts (2 of 4 stars). 2 submissions from 2 submitters: Uncertain significance (2). Last evaluated 2025-08-01.

Conditions:
Inborn genetic diseases. Identifiers: MedGen C0950123, MeSH D030342.

Allele frequency attached by ClinVar (database versions not stated): ExAC 0.00010; gnomAD 0.00010; TOPMed 0.00010; ESP Exome Variant Server 0.00015; gnomAD exomes 0.00017.
gnomAD v4.1: 260 of 1,614,040 alleles (0.016%); highest among the groups gnomAD compares: Non-Finnish European, 0.021%; no homozygotes.

Submissions (2):

Ambry Genetics
Classification: Uncertain significance for Inborn genetic diseases. Last evaluated: 2025-08-01. Review status: criteria provided, single submitter. Criteria: Ambry Variant Classification Scheme 2023. Collection method: clinical testing. Allele origin: germline.

Labcorp Genetics (formerly Invitae), Labcorp
Classification: Uncertain significance. Last evaluated: 2022-07-04. Review status: criteria provided, single submitter. Criteria: Invitae Variant Classification Sherloc (09022015). Collection method: clinical testing. Allele origin: germline.
Comment: This sequence change replaces valine, which is neutral and non-polar, with leucine, which is neutral and non-polar, at codon 273 of the CSGALNACT1 protein (p.Val273Leu). This variant is present in population databases (rs370202517, gnomAD 0.01%). This variant has not been reported in the literature in individuals affected with CSGALNACT1-related conditions. Algorithms developed to predict the effect of missense changes on protein structure and function (SIFT, PolyPhen-2, Align-GVGD) all suggest that this variant is likely to be tolerated. In summary, the available evidence is currently insufficient to determine the role of this variant in disease. Therefore, it has been classified as a Variant of Uncertain Significance.